The following is an entry in ClinVar:

NM_001365951.3(KIF1B):c.1150C>T (p.Arg384Cys)

Gene: KIF1B (kinesin family member 1B; plus strand). Cytogenetic location: 1p36.22.
Variant type: single nucleotide variant.
Coding change: c.1150C>T on transcript NM_001365951.3 (MANE Select); coding-DNA position 1150, C replaced by T.
Protein change: p.Arg384Cys; replaces arginine 384 with cysteine.
Molecular consequence: missense variant.
Genome position (GRCh38, 1-based): chr1:10,278,098, C>T. VCF-style: chr1-10278098-C-T. GRCh37 (hg19) VCF-style: chr1-10338156-C-T.
Other names: c.1150C>T, p.Arg384Cys (NM_001365952.1); c.1132C>T, p.Arg378Cys (NM_001365953.1, NM_015074.3, NM_183416.4); short protein forms R378C, R384C.
Identifiers: ClinVar variation 1728788 (VCV001728788.6), dbSNP rs766077102, ClinGen allele CA580895.
Genomic context (GRCh38, chr1:10,278,098, plus strand): 5'-CCCAATGCCAAACTGGTTCGTGAATTAAAGGAGGAGGTGACACGGCTGAAGGACCTTCTT[C>T]GTGCTCAGGGCCTGGGAGATATTATTGATAGTAAGTGAATTAAGGATCGTTACAAAATCT-3'
Protein context (NP_001352880.1, residues 374-394): EEVTRLKDLL[Arg384Cys]AQGLGDIIDI

ClinVar aggregate classification (germline): Uncertain significance. Review status: criteria provided, multiple submitters, no conflicts (2 of 4 stars). 2 submissions from 2 submitters: Uncertain significance (2). Last evaluated 2025-04-22.

Conditions:
Charcot-Marie-Tooth disease type 2. Also called: Charcot-Marie-Tooth type 2. Identifiers: Orphanet 64746, MedGen C0270914, MONDO:0018993.

Allele frequency attached by ClinVar (database versions not stated): gnomAD exomes 0.00001; TOPMed 0.00001; ExAC 0.00002.
gnomAD v4.1: 14 of 1,614,012 alleles (0.00087%); highest among the groups gnomAD compares: Admixed American, 0.0033%; no homozygotes.

Submissions (2):

Ambry Genetics
Classification: Uncertain significance. Last evaluated: 2025-04-22. Review status: criteria provided, single submitter. Criteria: Ambry Variant Classification Scheme 2023. Collection method: clinical testing. Allele origin: germline.
Comment: The p.R378C variant (also known as c.1132C>T), located in coding exon 11 of the KIF1B gene, results from a C to T substitution at nucleotide position 1132. The arginine at codon 378 is replaced by cysteine, an amino acid with highly dissimilar properties. This amino acid position is well conserved in available vertebrate species. In addition, the in silico prediction for this alteration is inconclusive. Since supporting evidence is limited at this time, the clinical significance of this alteration remains unclear.

Labcorp Genetics (formerly Invitae), Labcorp
Classification: Uncertain significance for Charcot-Marie-Tooth disease type 2. Last evaluated: 2025-04-17. Review status: criteria provided, single submitter. Criteria: Invitae Variant Classification Sherloc (09022015). Collection method: clinical testing. Allele origin: germline.
Comment: This sequence change replaces arginine, which is basic and polar, with cysteine, which is neutral and slightly polar, at codon 378 of the KIF1B protein (p.Arg378Cys). This variant is present in population databases (rs766077102, gnomAD 0.006%). This variant has not been reported in the literature in individuals affected with KIF1B-related conditions. ClinVar contains an entry for this variant (Variation ID: 1728788). Invitae Evidence Modeling of protein sequence and biophysical properties (such as structural, functional, and spatial information, amino acid conservation, physicochemical variation, residue mobility, and thermodynamic stability) indicates that this missense variant is not expected to disrupt KIF1B protein function with a negative predictive value of 80%. In summary, the available evidence is currently insufficient to determine the role of this variant in disease. Therefore, it has been classified as a Variant of Uncertain Significance.